The following is an entry in ClinVar:

NM_000419.5(ITGA2B):c.1355T>G (p.Leu452Arg)

Gene: ITGA2B (integrin subunit alpha 2b; minus strand). Cytogenetic location: 17q21.31.
Variant type: single nucleotide variant.
Coding change: c.1355T>G on transcript NM_000419.5 (MANE Select); coding-DNA position 1355, T replaced by G.
Protein change: p.Leu452Arg; replaces leucine 452 with arginine.
Molecular consequence: missense variant.
Genome position (GRCh38, 1-based): chr17:44,380,917, A>C on the plus strand (T>G on the coding strand, the complement: ITGA2B is on the minus strand). VCF-style: chr17-44380917-A-C. GRCh37 (hg19) VCF-style: chr17-42458285-A-C.
Other names: NM_000419.5:c.1355T>G; short protein forms L452R.
Identifiers: ClinVar variation 3391412 (VCV003391412.1).
Genomic context (GRCh38, chr17:44,380,917, plus strand): 5'-AGCTGGAGGCAGTCCAGGGCACCTGGGTATCCGTTGTCATCGATGTCTACGGCACCTCGA[A>C]GGGAGAAGCCAAAGGCAGAGCCTGTGGGGAAGGGGCTGTCCAGGACCTGGGAGGGACGTG-3'
Protein context (NP_000410.2, residues 442-462): FPTGSAFGFS[Leu452Arg]RGAVDIDDNG

ClinVar aggregate classification (germline): Likely pathogenic (3 of 4 stars; one submission).

Conditions:
Glanzmann thrombasthenia. Also called: BLEEDING DISORDER, PLATELET-TYPE, 2; THROMBASTHENIA OF GLANZMANN AND NAEGELI; Thrombasthenia; Glanzmann's thrombasthenia; PLATELET GLYCOPROTEIN IIb-IIIa DEFICIENCY. Identifiers: Orphanet 849, MedGen C0040015, MONDO:0100326.

gnomAD v4.1: 2 of 1,614,232 alleles (0.00012%); highest among the groups gnomAD compares: South Asian, 0.0022%; no homozygotes.

Submission:

ClinGen Platelet Disorders Variant Curation Expert Panel, ClinGen
Classification: Likely pathogenic for Glanzmann thrombasthenia. Last evaluated: 2024-12-17. Review status: reviewed by expert panel. Criteria: ClinGen Platelet ACMG Specifications v2-1. Collection method: curation. Allele origin: germline. Inheritance: Autosomal recessive inheritance.
Comment: The c.1355T>G variant in ITGA2B is a missense variant predicted to cause substitution of Leucine by Arginine at amino acid 452 (p.Leu452Arg). At least one patient (Patient 7 in PMID:36672149) with this variant displayed mucocutaneous bleeding and impaired aggregation with all agonists except ristocetin, which is highly specific for Glanzmann thrombasthenia. Additionally, αIIb and β3 surface expression were both absent, as measured by flow cytometry. ITGA2B and ITGB3 were sequenced across all exons and intron/exon boundaries (PP4_Strong). The computational predictor REVEL gives a score of 0.849, which is above the ClinGen PD VCEP threshold of >0.7 and predicts a damaging effect on function (PP3). The highest population minor allele frequency in gnomAD v4.1.0 is 0.00002196 (2/91088 alleles) in the South Asian population, which is lower than the ClinGen PD VCEP threshold (<0.0001; PM2_Supporting). In summary, this variant meets the criteria to be classified as Likely Pathogenic for autosomal recessive Glanzmann Thrombasthenia based on the ACMG/AMP criteria applied, as specified by the ClinGen PD VCEP: PP4_Strong, PP3, PM2_supporting and PM3_supporting (VCEP specifications version 2; date of approval 12/17/2024).